The following is an entry in ClinVar:

NM_000795.4(DRD2):c.811-83G>T

Gene: DRD2 (dopamine receptor D2; minus strand). Cytogenetic location: 11q23.2.
Variant type: single nucleotide variant.
Coding change: c.811-83G>T on transcript NM_000795.4 (MANE Select); 83 bases into the intron before coding-DNA position 811, G replaced by T.
Molecular consequence: intron variant.
Genome position (GRCh38, 1-based): chr11:113,412,966, C>A on the plus strand (G>T on the coding strand, the complement: DRD2 is on the minus strand). VCF-style: chr11-113412966-C-A. GRCh37 (hg19) VCF-style: chr11-113283688-C-A.
Other names: c.724-83G>T (NM_016574.4).
Identifiers: ClinVar variation 375655 (VCV000375655.13), dbSNP rs1076560, ClinGen allele CA13574372.

ClinVar aggregate classification (germline): Benign/Likely benign. Review status: criteria provided, multiple submitters, no conflicts (2 of 4 stars). 3 submissions from 3 submitters: Benign (2); Likely benign (1). Last evaluated 2025-11-17.

Conditions:
Dystonic disorder. Also called: Dystonia. Identifiers: MedGen C0013421, MONDO:0003441, HP:0001332.

Allele frequency attached by ClinVar (database versions not stated): gnomAD 0.15827 and 0.16587; TOPMed 0.17045; 1000 Genomes Project 30x 0.22314; 1000 Genomes Project 0.22963.
gnomAD v4.1: 253,763 of 1,458,296 alleles (17%); highest among the groups gnomAD compares: East Asian, 40%; 25,456 homozygotes.

Submissions (3):

Labcorp Genetics (formerly Invitae), Labcorp
Classification: Benign for Dystonic disorder. Last evaluated: 2025-11-17. Review status: criteria provided, single submitter. Criteria: Invitae Variant Classification Sherloc (09022015). Collection method: clinical testing. Allele origin: germline.

GeneDx
Classification: Benign. Last evaluated: 2021-06-18. Review status: criteria provided, single submitter. Criteria: GeneDx Variant Classification Process June 2021. Collection method: clinical testing. Allele origin: germline. Affected: yes.
Comment: This variant is associated with the following publications: (PMID: 17196743, 22569179, 18077373, 21150907, 26347318, 19940176, 18829695)

Breakthrough Genomics
Classification: Likely benign. Review status: criteria provided, single submitter. Criteria: ACMG Guidelines, 2015. Collection method: not provided. Allele origin: germline. Inheritance: Unknown mechanism. Affected: yes.